The following is an entry in ClinVar:

NM_001029860.4(FBXO43):c.1554C>T (p.Thr518=)

Gene: FBXO43 (F-box protein 43; minus strand). Cytogenetic location: 8q22.2.
Variant type: single nucleotide variant.
Coding change: c.1554C>T on transcript NM_001029860.4 (MANE Select); coding-DNA position 1554, C replaced by T.
Protein change: p.Thr518=; no amino-acid change (threonine 518 retained).
Molecular consequence: synonymous variant. On other transcripts: non-coding transcript variant (1).
Genome position (GRCh38, 1-based): chr8:100,140,700, G>A on the plus strand (C>T on the coding strand, the complement: FBXO43 is on the minus strand). VCF-style: chr8-100140700-G-A. GRCh37 (hg19) VCF-style: chr8-101152928-G-A.
Identifiers: ClinVar variation 2583068 (VCV002583068.25), dbSNP rs199780921, ClinGen allele CA4826765.
Genomic context (GRCh38, chr8:100,140,700, plus strand): 5'-TAAAAAAAGAAGTTTTATTTCATAAACAACTCTTACTTCTTACCTGCATAGGCTCTCTGC[G>A]GTCAAGGACTCTAAAACCATAGCAAGAATATGCTTTAAATTTCTATATTTTAATTCTGTT-3'
Protein context (NP_001025031.2, residues 508-528): HILAMVLESL[Thr518=]AESLCSVWKV

ClinVar aggregate classification (germline): Likely benign (1 of 4 stars; one submission).

gnomAD v4.1: 41 of 1,596,556 alleles (0.0026%); highest among the groups gnomAD compares: South Asian, 0.0046%; no homozygotes.

Submission:

CeGaT Center for Human Genetics Tuebingen
Classification: Likely benign. Last evaluated: 2023-09-01. Review status: criteria provided, single submitter. Criteria: CeGaT Center For Human Genetics Tuebingen Variant Classification Criteria Version 2. Collection method: clinical testing. Allele origin: germline. Affected: yes. Observed: 1 variant allele.
Comment: FBXO43: BP4, BP7